The following is an entry in ClinVar:

ClinVar aggregate classification (germline): Likely benign. Review status: criteria provided, multiple submitters, no conflicts (2 of 4 stars). 3 submissions from 3 submitters: Likely benign (3). Last evaluated 2026-07-01.

Allele frequency attached by ClinVar (database versions not stated): ExAC 0.00001; gnomAD 0.00005; TOPMed 0.00006.
gnomAD v4.1: 75 of 1,593,874 alleles (0.0047%); highest among the groups gnomAD compares: African/African-American, 0.012%; 1 homozygote.

Submissions (3):

CeGaT Center for Human Genetics Tuebingen
Classification: Likely benign. Last evaluated: 2026-07-01. Review status: criteria provided, single submitter. Criteria: CeGaT Center For Human Genetics Tuebingen Variant Classification Criteria Version 2. Collection method: clinical testing. Allele origin: germline. Affected: yes. Observed: 1 variant allele.
Comment: CFI: BP4, BP7

Labcorp Genetics (formerly Invitae), Labcorp
Classification: Likely benign. Last evaluated: 2025-12-22. Review status: criteria provided, single submitter. Criteria: Invitae Variant Classification Sherloc (09022015). Collection method: clinical testing. Allele origin: germline.

Blueprint Genetics
Classification: Likely benign. Last evaluated: 2023-12-01. Review status: criteria provided, single submitter. Criteria: ACMG Guidelines, 2015. Collection method: clinical testing. Allele origin: germline.

NM_000204.5(CFI):c.1434C>T (p.Asn478=)

Gene: CFI (complement factor I; minus strand). Cytogenetic location: 4q25.
Variant type: single nucleotide variant.
Coding change: c.1434C>T on transcript NM_000204.5 (MANE Select); coding-DNA position 1434, C replaced by T.
Protein change: p.Asn478=; no amino-acid change (asparagine 478 retained).
Molecular consequence: synonymous variant. On other transcripts: non-coding transcript variant (3).
Genome position (GRCh38, 1-based): chr4:109,742,591, G>A on the plus strand (C>T on the coding strand, the complement: CFI is on the minus strand). VCF-style: chr4-109742591-G-A. GRCh37 (hg19) VCF-style: chr4-110663747-G-A.
Other names: c.1458C>T, p.Asn486= (NM_001318057.2, NM_001375278.1); c.1413C>T, p.Asn471= (NM_001331035.2, NM_001375280.1, NM_001375282.1); c.1434C>T, p.Asn478= (NM_001375279.1, NM_001375281.1); c.1377C>T, p.Asn459= (NM_001375283.1); c.825C>T, p.Asn275= (NM_001375284.1).
Identifiers: ClinVar variation 1901628 (VCV001901628.7), dbSNP rs775471796, ClinGen allele CA3041897.